The following is an entry in ClinVar:

ClinVar aggregate classification (germline): Uncertain significance (1 of 4 stars; one submission).

Conditions:
Spinocerebellar ataxia type 19/22 (SCA19). Also called: SPINOCEREBELLAR ATAXIA 22; SPINOCEREBELLAR ATAXIA 19. Identifiers: Orphanet 98772, MedGen C1846367, MONDO:0011819, OMIM 607346.

Allele frequency attached by ClinVar (database versions not stated): gnomAD 0.00002; gnomAD exomes 0.00003 and 0.00002; TOPMed 0.00002; ExAC 0.00002.
gnomAD v4.1: 35 of 1,613,720 alleles (0.0022%); highest among the groups gnomAD compares: Non-Finnish European, 0.0023%; no homozygotes.

Submission:

Labcorp Genetics (formerly Invitae), Labcorp
Classification: Uncertain significance for Spinocerebellar ataxia type 19/22. Last evaluated: 2025-01-22. Review status: criteria provided, single submitter. Criteria: Invitae Variant Classification Sherloc (09022015). Collection method: clinical testing. Allele origin: germline.
Comment: This sequence change replaces arginine, which is basic and polar, with glutamine, which is neutral and polar, at codon 501 of the KCND3 protein (p.Arg501Gln). This variant is present in population databases (rs764928165, gnomAD 0.005%). This variant has not been reported in the literature in individuals affected with KCND3-related conditions. ClinVar contains an entry for this variant (Variation ID: 837098). Invitae Evidence Modeling of protein sequence and biophysical properties (such as structural, functional, and spatial information, amino acid conservation, physicochemical variation, residue mobility, and thermodynamic stability) indicates that this missense variant is not expected to disrupt KCND3 protein function with a negative predictive value of 95%. In summary, the available evidence is currently insufficient to determine the role of this variant in disease. Therefore, it has been classified as a Variant of Uncertain Significance.

NM_001378969.1(KCND3):c.1502G>A (p.Arg501Gln)

Gene: KCND3 (potassium voltage-gated channel subfamily D member 3; minus strand). Cytogenetic location: 1p13.2.
Variant type: single nucleotide variant.
Coding change: c.1502G>A on transcript NM_001378969.1 (MANE Select); coding-DNA position 1502, G replaced by A.
Protein change: p.Arg501Gln; replaces arginine 501 with glutamine.
Molecular consequence: missense variant. On other transcripts: intron variant (2).
Genome position (GRCh38, 1-based): chr1:111,778,452, C>T on the plus strand (G>A on the coding strand, the complement: KCND3 is on the minus strand). VCF-style: chr1-111778452-C-T. GRCh37 (hg19) VCF-style: chr1-112321074-C-T.
Other names: c.1502G>A, p.Arg501Gln (NM_004980.5); c.1462-1179G>A (NM_001378970.1, NM_172198.3); short protein forms R501Q.
Identifiers: ClinVar variation 837098 (VCV000837098.6), dbSNP rs764928165, ClinGen allele CA1007415.